The following is an entry in ClinVar:

NM_001085487.3(MYSM1):c.1484T>C (p.Leu495Pro)

Gene: MYSM1 (Myb like, SWIRM and MPN domains 1; minus strand). Cytogenetic location: 1p32.1.
Variant type: single nucleotide variant.
Coding change: c.1484T>C on transcript NM_001085487.3 (MANE Select); coding-DNA position 1484, T replaced by C.
Protein change: p.Leu495Pro; replaces leucine 495 with proline.
Molecular consequence: missense variant.
Genome position (GRCh38, 1-based): chr1:58,675,487, A>G on the plus strand (T>C on the coding strand, the complement: MYSM1 is on the minus strand). VCF-style: chr1-58675487-A-G. GRCh37 (hg19) VCF-style: chr1-59141159-A-G.
Other names: short protein forms L495P.
Identifiers: ClinVar variation 2007989 (VCV002007989.4), dbSNP rs2524237674, ClinGen allele CA340521297.
Genomic context (GRCh38, chr1:58,675,487, plus strand): 5'-ACAGAGTAAGCAGCAATGTGGAGAGATCACTGAGAGAGATGACTGCTTACCATAGACTGC[A>G]GACGCTGGGCAAGTTGGTATGCTTCTACTGCATCTTTTCTGTCTCTGATTCGTACTTTGT-3'
Protein context (NP_001078956.1, residues 485-505): AVEAYQLAQR[Leu495Pro]QSMRTRRRRV

ClinVar aggregate classification (germline): Uncertain significance (1 of 4 stars; one submission).

Submission:

Labcorp Genetics (formerly Invitae), Labcorp
Classification: Uncertain significance. Last evaluated: 2024-02-24. Review status: criteria provided, single submitter. Criteria: Invitae Variant Classification Sherloc (09022015). Collection method: clinical testing. Allele origin: germline.
Comment: This sequence change replaces leucine, which is neutral and non-polar, with proline, which is neutral and non-polar, at codon 495 of the MYSM1 protein (p.Leu495Pro). This variant is not present in population databases (gnomAD no frequency). This variant has not been reported in the literature in individuals affected with MYSM1-related conditions. ClinVar contains an entry for this variant (Variation ID: 2007989). Advanced modeling of protein sequence and biophysical properties (such as structural, functional, and spatial information, amino acid conservation, physicochemical variation, residue mobility, and thermodynamic stability) performed at Invitae indicates that this missense variant is expected to disrupt MYSM1 protein function with a positive predictive value of 80%. In summary, the available evidence is currently insufficient to determine the role of this variant in disease. Therefore, it has been classified as a Variant of Uncertain Significance.